The following is an entry in ClinVar:

NM_018979.4(WNK1):c.4022G>C (p.Ser1341Thr)

Gene: WNK1 (WNK lysine deficient protein kinase 1; plus strand). Cytogenetic location: 12p13.33.
Variant type: single nucleotide variant.
Coding change: c.4022G>C on transcript NM_018979.4 (MANE Select); coding-DNA position 4022, G replaced by C.
Protein change: p.Ser1341Thr; replaces serine 1341 with threonine.
Molecular consequence: missense variant.
Genome position (GRCh38, 1-based): chr12:884,826, G>C. VCF-style: chr12-884826-G-C. GRCh37 (hg19) VCF-style: chr12-993992-G-C.
Other names: c.4802G>C, p.Ser1601Thr (NM_001184985.2); c.3281G>C, p.Ser1094Thr (NM_014823.3); c.4778G>C, p.Ser1593Thr (NM_213655.5); short protein forms S1094T, S1341T, S1601T, S1593T.
Identifiers: ClinVar variation 970958 (VCV000970958.11), dbSNP rs1301534353, ClinGen allele CA383330404.

ClinVar aggregate classification (germline): Uncertain significance. Review status: criteria provided, multiple submitters, no conflicts (2 of 4 stars). 2 submissions from 2 submitters: Uncertain significance (2). Last evaluated 2022-05-07.

Conditions:
Neuropathy, hereditary sensory and autonomic, type 2A (HSAN2A). Also called: ACROOSTEOLYSIS, GIACCAI TYPE; ACROOSTEOLYSIS, NEUROGENIC; WNK1-Related HSAN2 (HSAN2A); HSAN IIA; MORVAN DISEASE; NEUROPATHY, CONGENITAL SENSORY. Identifiers: Orphanet 970, MedGen C2752089, MONDO:0024309, OMIM 201300.
Pseudohypoaldosteronism type 2C (PHA2C). Also called: Pseudohypoaldosteronism Type IIC. Identifiers: Orphanet 757, Orphanet 88940, MedGen C1840391, MONDO:0013778, OMIM 614492.

Submissions (2):

Labcorp Genetics (formerly Invitae), Labcorp
Classification: Uncertain significance for Neuropathy, hereditary sensory and autonomic, type 2A; Pseudohypoaldosteronism type 2C. Last evaluated: 2022-05-07. Review status: criteria provided, single submitter. Criteria: Invitae Variant Classification Sherloc (09022015). Collection method: clinical testing. Allele origin: germline.
Comment: Advanced modeling of protein sequence and biophysical properties (such as structural, functional, and spatial information, amino acid conservation, physicochemical variation, residue mobility, and thermodynamic stability) performed at Invitae indicates that this missense variant is not expected to disrupt WNK1 protein function. In summary, the available evidence is currently insufficient to determine the role of this variant in disease. Therefore, it has been classified as a Variant of Uncertain Significance. ClinVar contains an entry for this variant (Variation ID: 970958). This variant has not been reported in the literature in individuals affected with WNK1-related conditions. This variant is not present in population databases (gnomAD no frequency). This sequence change replaces serine, which is neutral and polar, with threonine, which is neutral and polar, at codon 1593 of the WNK1 protein (p.Ser1593Thr).

Fulgent Genetics
Classification: Uncertain significance for Neuropathy, hereditary sensory and autonomic, type 2A; Pseudohypoaldosteronism type 2C. Last evaluated: 2022-01-04. Review status: criteria provided, single submitter. Criteria: ACMG Guidelines, 2015. Collection method: clinical testing. Allele origin: unknown.